The following is an entry in ClinVar:

NM_001370259.2(MEN1):c.177C>G (p.Pro59=)

Gene: MEN1 (menin 1; minus strand). Cytogenetic location: 11q13.1.
Variant type: single nucleotide variant.
Coding change: c.177C>G on transcript NM_001370259.2 (MANE Select); coding-DNA position 177, C replaced by G.
Protein change: p.Pro59=; no amino-acid change (proline 59 retained).
Molecular consequence: synonymous variant.
Genome position (GRCh38, 1-based): chr11:64,809,933, G>C on the plus strand (C>G on the coding strand, the complement: MEN1 is on the minus strand). VCF-style: chr11-64809933-G-C. GRCh37 (hg19) VCF-style: chr11-64577405-G-C.
Other names: c.177C>G (NM_130799.2); c.177C>G, p.Pro59= (NM_000244.4, NM_001370251.2, NM_001370260.2 and 9 more transcripts).
Identifiers: ClinVar variation 560777 (VCV000560777.14), dbSNP rs749001511, ClinGen allele CA060955.

ClinVar aggregate classification (germline): Benign/Likely benign. Review status: criteria provided, multiple submitters, no conflicts (2 of 4 stars). 5 submissions from 5 submitters: Benign (1); Likely benign (4). Last evaluated 2025-08-07.

Conditions:
Multiple endocrine neoplasia, type 1 (MEN1). Also called: MEN I; WERMER SYNDROME; MEA I; Endocrine adenomatosis multiple; MEN 1. Identifiers: Orphanet 652, MedGen C0025267, MeSH D018761, MONDO:0007540, OMIM 131100.
Hereditary cancer-predisposing syndrome. Also called: Neoplastic Syndromes, Hereditary; Tumor predisposition; Hereditary Cancer Syndrome; Hereditary neoplastic syndrome. Identifiers: Orphanet 140162, MedGen C0027672, MeSH D009386, MONDO:0015356.

Allele frequency attached by ClinVar (database versions not stated): gnomAD exomes 0.00001; ExAC 0.00002.

Submissions (5):

Labcorp Genetics (formerly Invitae), Labcorp
Classification: Likely benign for Multiple endocrine neoplasia, type 1. Last evaluated: 2025-08-07. Review status: criteria provided, single submitter. Criteria: Invitae Variant Classification Sherloc (09022015). Collection method: clinical testing. Allele origin: germline.

Myriad Genetics, Inc.
Classification: Benign for Multiple endocrine neoplasia, type 1. Last evaluated: 2024-10-31. Review status: criteria provided, single submitter. Criteria: Myriad Autosomal Dominant, Autosomal Recessive and X-Linked Classification Criteria (2023). Collection method: clinical testing. Allele origin: unknown.
Comment: This variant is considered benign. This variant is a silent/synonymous amino acid change and it is not expected to impact splicing.

All of Us Research Program, National Institutes of Health
Classification: Likely benign for Multiple endocrine neoplasia, type 1. Last evaluated: 2024-07-20. Review status: criteria provided, single submitter. Criteria: ACMG Guidelines, 2015. Collection method: clinical testing. Allele origin: germline. Inheritance: Autosomal dominant inheritance. Observed: 2 variant alleles, 2 heterozygotes.
Comment: This study involves interpretation of variants in research participants for the purpose of population health screening. Participant phenotype was not available at the time of variant classification. Additional details can be found in publication PMID: 35346344, PMCID: PMC8962531

Ambry Genetics
Classification: Likely benign for Hereditary cancer-predisposing syndrome. Last evaluated: 2024-04-18. Review status: criteria provided, single submitter. Criteria: Ambry Variant Classification Scheme 2023. Collection method: clinical testing. Allele origin: germline.

PreventionGenetics, part of Exact Sciences
Classification: Likely benign. Last evaluated: 2018-01-05. Review status: criteria provided, single submitter. Criteria: ACMG Guidelines, 2015. Collection method: clinical testing. Allele origin: germline.